The following is an entry in ClinVar:

NM_000222.3(KIT):c.2847C>T (p.Pro949=)

Gene: KIT (KIT proto-oncogene, receptor tyrosine kinase; plus strand). Cytogenetic location: 4q12.
Variant type: single nucleotide variant.
Coding change: c.2847C>T on transcript NM_000222.3 (MANE Select); coding-DNA position 2847, C replaced by T.
Protein change: p.Pro949=; no amino-acid change (proline 949 retained).
Molecular consequence: synonymous variant.
Genome position (GRCh38, 1-based): chr4:54,738,473, C>T. VCF-style: chr4-54738473-C-T. GRCh37 (hg19) VCF-style: chr4-55604639-C-T.
Other names: c.2835C>T, p.Pro945= (NM_001093772.2, NM_001385292.1); c.2850C>T, p.Pro950= (NM_001385284.1); c.2844C>T, p.Pro948= (NM_001385285.1); c.2832C>T, p.Pro944= (NM_001385286.1); c.2838C>T, p.Pro946= (NM_001385288.1); c.2847C>T, p.Pro949= (NM_001385290.1).
Identifiers: ClinVar variation 348955 (VCV000348955.37), dbSNP rs56288823, ClinGen allele CA2923881.

ClinVar aggregate classification (germline): Benign. Review status: criteria provided, multiple submitters, no conflicts (2 of 4 stars). 13 submissions from 11 submitters: Benign (12). 1 of the submissions does not count toward it. Last evaluated 2026-06-05.

Conditions:
Hereditary cancer-predisposing syndrome. Also called: Hereditary Cancer Syndrome; Tumor predisposition; Neoplastic Syndromes, Hereditary; Hereditary neoplastic syndrome. Identifiers: Orphanet 140162, MedGen C0027672, MeSH D009386, MONDO:0015356.
Gastrointestinal stromal tumor. Also called: Gastrointestinal stromal tumor, somatic; Gastrointestinal stroma tumor. Identifiers: Orphanet 44890, MedGen C0238198, MeSH D046152, MONDO:0011719, OMIM 606764, HP:0100723.
Mastocytosis. Also called: Mast Cell Disease. Identifiers: Orphanet 98292, MedGen C0024899, MONDO:0007950, HP:0100495.
Piebaldism. Also called: Piebald skin depigmentation. Identifiers: Orphanet 2884, MedGen C0080024, MONDO:0008244, OMIM 172800, HP:0007544.
KIT-related disorder. Also called: KIT-related condition.

Allele frequency attached by ClinVar (database versions not stated): ExAC 0.00556; 1000 Genomes Project 30x 0.01718; gnomAD 0.01731 and 0.01843; 1000 Genomes Project 0.01757; TOPMed 0.01981; ESP Exome Variant Server 0.02099.
gnomAD v4.1: 5,511 of 1,614,022 alleles (0.34%); highest among the groups gnomAD compares: African/African-American, 5.6%; 128 homozygotes.

Submissions (13):

Myriad Genetics, Inc.
Classification: Benign for Gastrointestinal stromal tumor. Last evaluated: 2026-06-05. Review status: criteria provided, single submitter. Criteria: Myriad Autosomal Dominant, Autosomal Recessive and X-Linked Classification Criteria (2023). Collection method: clinical testing. Allele origin: unknown.
Comment: This variant is considered benign. This variant is a silent/synonymous amino acid change and it is not expected to impact splicing.

Labcorp Genetics (formerly Invitae), Labcorp
Classification: Benign for Gastrointestinal stromal tumor. Last evaluated: 2026-02-04. Review status: criteria provided, single submitter. Criteria: Invitae Variant Classification Sherloc (09022015). Collection method: clinical testing. Allele origin: germline.

CeGaT Center for Human Genetics Tuebingen
Classification: Benign. Last evaluated: 2025-08-01. Review status: criteria provided, single submitter. Criteria: CeGaT Center For Human Genetics Tuebingen Variant Classification Criteria Version 2. Collection method: clinical testing. Allele origin: germline. Affected: yes. Observed: 1 variant allele.
Comment: KIT: BP4, BP7, BS1, BS2

ARUP Laboratories, Molecular Genetics and Genomics, ARUP Laboratories
Classification: Benign. Last evaluated: 2024-12-10. Review status: criteria provided, single submitter. Criteria: ARUP Molecular Germline Variant Investigation Process 2024. Collection method: clinical testing. Allele origin: germline.

Blueprint Genetics
Classification: Benign. Last evaluated: 2024-11-25. Review status: criteria provided, single submitter. Criteria: ACMG Guidelines, 2015. Collection method: clinical testing. Allele origin: germline.

KCCC/NGS Laboratory, Kuwait Cancer Control Center
Classification: Benign for Gastrointestinal stromal tumor. Last evaluated: 2023-07-07. Review status: criteria provided, single submitter. Criteria: ACMG Guidelines, 2015. Collection method: clinical testing. Allele origin: germline. Affected: yes.

Ambry Genetics
Classification: Benign for Hereditary cancer-predisposing syndrome. Last evaluated: 2019-05-09. Review status: criteria provided, single submitter. Criteria: Ambry Variant Classification Scheme 2023. Collection method: clinical testing. Allele origin: germline.

GeneDx
Classification: Benign. Last evaluated: 2018-07-05. Review status: criteria provided, single submitter. Criteria: GeneDx Variant Classification Process June 2021. Collection method: clinical testing. Allele origin: germline. Affected: yes.

Illumina Laboratory Services, Illumina
Classification: Benign for Gastrointestinal stromal tumor. Last evaluated: 2018-01-13. Review status: criteria provided, single submitter. Criteria: ICSL Variant Classification Criteria 13 December 2019. Collection method: clinical testing. Allele origin: germline.
Comment: This variant was observed in the ICSL laboratory as part of a predisposition screen in an ostensibly healthy population. It had not been previously curated by ICSL or reported in the Human Gene Mutation Database (HGMD: prior to June 1st, 2018), and was therefore a candidate for classification through an automated scoring system. Utilizing variant allele frequency, disease prevalence and penetrance estimates, and inheritance mode, an automated score was calculated to assess if this variant is too frequent to cause the disease. Based on the score and internal cut-off values, a variant classified as benign is not then subjected to further curation. The score for this variant resulted in a classification of benign for this disease.

Illumina Laboratory Services, Illumina
Classification: Benign for Piebaldism. Last evaluated: 2018-01-13. Review status: criteria provided, single submitter. Criteria: ICSL Variant Classification Criteria 13 December 2019. Collection method: clinical testing. Allele origin: germline.
Comment: the same text as in the submission from Illumina Laboratory Services, Illumina above.

Illumina Laboratory Services, Illumina
Classification: Benign for Cutaneous mastocytosis. Last evaluated: 2018-01-13. Review status: criteria provided, single submitter. Criteria: ICSL Variant Classification Criteria 13 December 2019. Collection method: clinical testing. Allele origin: germline.
Comment: the same text as in the submission from Illumina Laboratory Services, Illumina above.

Breakthrough Genomics
Classification: Benign. Review status: criteria provided, single submitter. Criteria: ACMG Guidelines, 2015. Collection method: not provided. Allele origin: germline. Inheritance: Autosomal dominant inheritance. Affected: yes.

PreventionGenetics, part of Exact Sciences
Classification: Benign for KIT-related condition. Last evaluated: 2019-07-18. Review status: no assertion criteria provided. Collection method: clinical testing. Allele origin: germline. Not counted in ClinVar's aggregate classification.
Comment: This variant is classified as benign based on ACMG/AMP sequence variant interpretation guidelines (Richards et al. 2015 PMID: 25741868, with internal and published modifications).